The following is an entry in ClinVar:

ClinVar aggregate classification (germline): Uncertain significance (1 of 4 stars; one submission).

Allele frequency attached by ClinVar (database versions not stated): ExAC 0.00002; gnomAD 0.00004; TOPMed 0.00003; 1000 Genomes Project 0.00020; gnomAD exomes 0.00001 and below 0.00001; 1000 Genomes Project 30x 0.00031.
gnomAD v4.1: 8 of 1,614,094 alleles (0.0005%); highest among the groups gnomAD compares: African/African-American, 0.008%; no homozygotes.

Submission:

Labcorp Genetics (formerly Invitae), Labcorp
Classification: Uncertain significance. Last evaluated: 2022-03-10. Review status: criteria provided, single submitter. Criteria: Invitae Variant Classification Sherloc (09022015). Collection method: clinical testing. Allele origin: germline.
Comment: This sequence change replaces leucine, which is neutral and non-polar, with proline, which is neutral and non-polar, at codon 1645 of the PCDH15 protein (p.Leu1645Pro). This variant is present in population databases (rs557722266, gnomAD 0.01%). This variant has not been reported in the literature in individuals affected with PCDH15-related conditions. Algorithms developed to predict the effect of missense changes on protein structure and function output the following: SIFT: "Tolerated"; PolyPhen-2: "Benign"; Align-GVGD: "Class C0". The proline amino acid residue is found in multiple mammalian species, which suggests that this missense change does not adversely affect protein function. In summary, the available evidence is currently insufficient to determine the role of this variant in disease. Therefore, it has been classified as a Variant of Uncertain Significance.

NM_033056.4(PCDH15):c.4934T>C (p.Leu1645Pro)

Gene: PCDH15 (protocadherin related 15; minus strand). Cytogenetic location: 10q21.1.
Variant type: single nucleotide variant.
Coding change: c.4934T>C on transcript NM_033056.4 (MANE Plus Clinical); coding-DNA position 4934, T replaced by C.
Protein change: p.Leu1645Pro; replaces leucine 1645 with proline.
Molecular consequence: missense variant. On other transcripts: intron variant (8).
Genome position (GRCh38, 1-based): chr10:53,822,792, A>G on the plus strand (T>C on the coding strand, the complement: PCDH15 is on the minus strand). VCF-style: chr10-53822792-A-G. GRCh37 (hg19) VCF-style: chr10-55582552-A-G.
Other names: c.4955T>C, p.Leu1652Pro (NM_001142763.2); c.4940T>C, p.Leu1647Pro (NM_001142764.2); c.4727T>C, p.Leu1576Pro (NM_001142765.2); c.4925T>C, p.Leu1642Pro (NM_001142766.2); c.4814T>C, p.Leu1605Pro (NM_001142767.2); c.4874T>C, p.Leu1625Pro (NM_001142768.2); c.4865T>C, p.Leu1622Pro (NM_001142773.2); c.4868T>C, p.Leu1623Pro (NM_001354404.2); and 6 more; short protein forms L1622P, L1642P, L1623P, L1645P, L1647P, L1576P, L1605P, L1625P.
Identifiers: ClinVar variation 1485367 (VCV001485367.3), dbSNP rs557722266, ClinGen allele CA5505158.